The following is an entry in ClinVar:

ClinVar aggregate classification (germline): Uncertain significance. Review status: criteria provided, multiple submitters, no conflicts (2 of 4 stars). 2 submissions from 2 submitters: Uncertain significance (2). Last evaluated 2024-12-16.

Conditions:
Hereditary cancer-predisposing syndrome. Also called: Hereditary neoplastic syndrome; Neoplastic Syndromes, Hereditary; Tumor predisposition; Hereditary Cancer Syndrome. Identifiers: Orphanet 140162, MedGen C0027672, MeSH D009386, MONDO:0015356.
Ataxia-telangiectasia syndrome (AT). Also called: LOUIS-BAR SYNDROME; Cerebello-oculocutaneous telangiectasia; Immunodeficiency with ataxia telangiectasia; AT, COMPLEMENTATION GROUP C; Ataxia-telangiectasia, complementation group D; ATAXIA-TELANGIECTASIA, COMPLEMENTATION GROUP A. Identifiers: Orphanet 100, MedGen C0004135, MONDO:0008840, OMIM 208900.

Allele frequency attached by ClinVar (database versions not stated): TOPMed below 0.00001.

Submissions (2):

Ambry Genetics
Classification: Uncertain significance for Hereditary cancer-predisposing syndrome. Last evaluated: 2024-12-16. Review status: criteria provided, single submitter. Criteria: Ambry Variant Classification Scheme 2023. Collection method: clinical testing. Allele origin: germline.
Comment: The p.M1909R variant (also known as c.5726T>G), located in coding exon 37 of the ATM gene, results from a T to G substitution at nucleotide position 5726. The methionine at codon 1909 is replaced by arginine, an amino acid with similar properties. This amino acid position is highly conserved in available vertebrate species. In addition, this alteration is predicted to be deleterious by in silico analysis. Based on the available evidence, the clinical significance of this variant remains unclear.

Labcorp Genetics (formerly Invitae), Labcorp
Classification: Uncertain significance for Ataxia-telangiectasia syndrome. Last evaluated: 2024-11-16. Review status: criteria provided, single submitter. Criteria: Invitae Variant Classification Sherloc (09022015). Collection method: clinical testing. Allele origin: germline.
Comment: This sequence change replaces methionine, which is neutral and non-polar, with arginine, which is basic and polar, at codon 1909 of the ATM protein (p.Met1909Arg). This variant is not present in population databases (gnomAD no frequency). This variant has not been reported in the literature in individuals affected with ATM-related conditions. ClinVar contains an entry for this variant (Variation ID: 482615). Invitae Evidence Modeling of protein sequence and biophysical properties (such as structural, functional, and spatial information, amino acid conservation, physicochemical variation, residue mobility, and thermodynamic stability) has been performed for this missense variant. However, the output from this modeling did not meet the statistical confidence thresholds required to predict the impact of this variant on ATM protein function. In summary, the available evidence is currently insufficient to determine the role of this variant in disease. Therefore, it has been classified as a Variant of Uncertain Significance.

NM_000051.4(ATM):c.5726T>G (p.Met1909Arg)

Gene: ATM (ATM serine/threonine kinase; plus strand). Cytogenetic location: 11q22.3.
Variant type: single nucleotide variant.
Coding change: c.5726T>G on transcript NM_000051.4 (MANE Select); coding-DNA position 5726, T replaced by G.
Protein change: p.Met1909Arg; replaces methionine 1909 with arginine.
Molecular consequence: missense variant.
Genome position (GRCh38, 1-based): chr11:108,307,948, T>G. VCF-style: chr11-108307948-T-G. GRCh37 (hg19) VCF-style: chr11-108178675-T-G.
Other names: c.5726T>G, p.Met1909Arg (NM_001351834.2); short protein forms M1909R.
Identifiers: ClinVar variation 482615 (VCV000482615.14), dbSNP rs542378165, ClinGen allele CA382547951.